The following is an entry in ClinVar:

ClinVar aggregate classification (germline): Uncertain significance (1 of 4 stars; one submission).

Allele frequency attached by ClinVar (database versions not stated): TOPMed 0.00003; gnomAD 0.00004 and 0.00005; gnomAD exomes 0.00005 and 0.00007; ExAC 0.00007; ESP Exome Variant Server 0.00008.
gnomAD v4.1: 108 of 1,607,972 alleles (0.0067%); highest among the groups gnomAD compares: Non-Finnish European, 0.0087%; 1 homozygote.

Submission:

Labcorp Genetics (formerly Invitae), Labcorp
Classification: Uncertain significance. Last evaluated: 2025-09-19. Review status: criteria provided, single submitter. Criteria: Invitae Variant Classification Sherloc (09022015). Collection method: clinical testing. Allele origin: germline.
Comment: This sequence change replaces glycine, which is neutral and non-polar, with serine, which is neutral and polar, at codon 34 of the ASRGL1 protein (p.Gly34Ser). This variant is present in population databases (rs371350994, gnomAD 0.01%). This variant has not been reported in the literature in individuals affected with ASRGL1-related conditions. ClinVar contains an entry for this variant (Variation ID: 955302). An algorithm developed to predict the effect of missense changes on protein structure and function (PolyPhen-2) suggests that this variant is likely to be disruptive. In summary, the available evidence is currently insufficient to determine the role of this variant in disease. Therefore, it has been classified as a Variant of Uncertain Significance.

NM_001083926.2(ASRGL1):c.100G>A (p.Gly34Ser)

Gene: ASRGL1 (asparaginase and isoaspartyl peptidase 1; plus strand). Cytogenetic location: 11q12.3.
Variant type: single nucleotide variant.
Coding change: c.100G>A on transcript NM_001083926.2 (MANE Select); coding-DNA position 100, G replaced by A.
Protein change: p.Gly34Ser; replaces glycine 34 with serine.
Molecular consequence: missense variant.
Genome position (GRCh38, 1-based): chr11:62,338,077, G>A. VCF-style: chr11-62338077-G-A. GRCh37 (hg19) VCF-style: chr11-62105549-G-A.
Other names: c.100G>A, p.Gly34Ser (NM_025080.4); short protein forms G34S.
Identifiers: ClinVar variation 955302 (VCV000955302.9), dbSNP rs371350994, ClinGen allele CA6043088.